The following is an entry in ClinVar:

ClinVar aggregate classification (germline): Likely benign. Review status: criteria provided, multiple submitters, no conflicts (2 of 4 stars). 3 submissions from 3 submitters: Likely benign (3). Last evaluated 2025-09-01.

Conditions:
Developmental and epileptic encephalopathy 94 (DEE94). Also called: CHD2-Related Neurodevelopmental Disorders; Epileptic encephalopathy, childhood-onset. Identifiers: Orphanet 1942, Orphanet 2382, MedGen C3809278, MONDO:0014150, OMIM 615369.

Allele frequency attached by ClinVar (database versions not stated): gnomAD 0.00001 and 0.00003; ExAC 0.00002; gnomAD exomes 0.00002 and 0.00003; TOPMed 0.00003; ESP Exome Variant Server 0.00008.
gnomAD v4.1: 32 of 1,612,978 alleles (0.002%); highest among the groups gnomAD compares: African/African-American, 0.0094%; no homozygotes.

Submissions (3):

CeGaT Center for Human Genetics Tuebingen
Classification: Likely benign. Last evaluated: 2025-09-01. Review status: criteria provided, single submitter. Criteria: CeGaT Center For Human Genetics Tuebingen Variant Classification Criteria Version 2. Collection method: clinical testing. Allele origin: germline. Affected: yes. Observed: 1 variant allele.
Comment: CHD2: BP4, BP7

Labcorp Genetics (formerly Invitae), Labcorp
Classification: Likely benign for Developmental and epileptic encephalopathy 94. Last evaluated: 2024-12-08. Review status: criteria provided, single submitter. Criteria: Invitae Variant Classification Sherloc (09022015). Collection method: clinical testing. Allele origin: germline.

Breakthrough Genomics
Classification: Likely benign. Review status: criteria provided, single submitter. Criteria: ACMG Guidelines, 2015. Collection method: not provided. Allele origin: germline. Inheritance: Autosomal dominant inheritance. Affected: yes.

NM_001271.4(CHD2):c.3639C>T (p.Ser1213=)

Gene: CHD2 (chromodomain helicase DNA binding protein 2; plus strand). Cytogenetic location: 15q26.1.
Variant type: single nucleotide variant.
Coding change: c.3639C>T on transcript NM_001271.4 (MANE Select); coding-DNA position 3639, C replaced by T.
Protein change: p.Ser1213=; no amino-acid change (serine 1213 retained).
Molecular consequence: synonymous variant.
Genome position (GRCh38, 1-based): chr15:92,997,000, C>T. VCF-style: chr15-92997000-C-T. GRCh37 (hg19) VCF-style: chr15-93540230-C-T.
Identifiers: ClinVar variation 1655595 (VCV001655595.16), dbSNP rs373621677, ClinGen allele CA7748280.
Genomic context (GRCh38, chr15:92,997,000, plus strand): 5'-AAACTGGTATTTTTCAGGAAAAGGACCAGGGAAAAGGAGAGGTCCAACAATCAAGATATC[C>T]GGAGTTCAGGTTAATGTGAAATCCATTATCCAACATGAAGAGGAGTTTGAGATGCTGCAT-3'
Protein context (NP_001262.3, residues 1203-1223): GKRRGPTIKI[Ser1213=]GVQVNVKSII